The following is an entry in ClinVar:

NM_198576.4(AGRN):c.4402C>G (p.Leu1468Val)

Gene: AGRN (agrin; plus strand). Cytogenetic location: 1p36.33.
Variant type: single nucleotide variant.
Coding change: c.4402C>G on transcript NM_198576.4 (MANE Select); coding-DNA position 4402, C replaced by G.
Protein change: p.Leu1468Val; replaces leucine 1468 with valine.
Molecular consequence: missense variant.
Genome position (GRCh38, 1-based): chr1:1,049,339, C>G. VCF-style: chr1-1049339-C-G. GRCh37 (hg19) VCF-style: chr1-984719-C-G.
Other names: c.4402C>G, p.Leu1468Val (NM_001305275.2); c.4087C>G, p.Leu1363Val (NM_001364727.2); short protein forms L1363V, L1468V.
Identifiers: ClinVar variation 1401882 (VCV001401882.6), dbSNP rs765711896, ClinGen allele CA509450.

ClinVar aggregate classification (germline): Uncertain significance. Review status: criteria provided, multiple submitters, no conflicts (2 of 4 stars). 2 submissions from 2 submitters: Uncertain significance (2). Last evaluated 2025-01-30.

Conditions:
Congenital myasthenic syndrome 8. Also called: MYASTHENIC SYNDROME, CONGENITAL, DUE TO AGRIN DEFICIENCY; Myasthenic syndrome, congenital, 8, with pre- and postsynaptic defects. Identifiers: Orphanet 590, MedGen C3808739, MONDO:0014052, OMIM 615120.

Allele frequency attached by ClinVar (database versions not stated): gnomAD exomes 0.00004; ExAC 0.00004.
gnomAD v4.1: 199 of 1,598,144 alleles (0.012%); highest among the groups gnomAD compares: Non-Finnish European, 0.016%; no homozygotes.

Submissions (2):

Revvity Omics, Revvity
Classification: Uncertain significance for Congenital myasthenic syndrome 8. Last evaluated: 2025-01-30. Review status: criteria provided, single submitter. Criteria: ACMG Guidelines, 2015. Collection method: clinical testing. Allele origin: germline.

Labcorp Genetics (formerly Invitae), Labcorp
Classification: Uncertain significance for Congenital myasthenic syndrome 8. Last evaluated: 2022-08-16. Review status: criteria provided, single submitter. Criteria: Invitae Variant Classification Sherloc (09022015). Collection method: clinical testing. Allele origin: germline.
Comment: This sequence change replaces leucine, which is neutral and non-polar, with valine, which is neutral and non-polar, at codon 1468 of the AGRN protein (p.Leu1468Val). This variant is present in population databases (rs765711896, gnomAD 0.005%). This variant has not been reported in the literature in individuals affected with AGRN-related conditions. ClinVar contains an entry for this variant (Variation ID: 1401882). Algorithms developed to predict the effect of missense changes on protein structure and function are either unavailable or do not agree on the potential impact of this missense change (SIFT: "Deleterious"; PolyPhen-2: "Possibly Damaging"; Align-GVGD: "Class C0"). In summary, the available evidence is currently insufficient to determine the role of this variant in disease. Therefore, it has been classified as a Variant of Uncertain Significance.